The following is an entry in ClinVar:

ClinVar aggregate classification (germline): Uncertain significance (1 of 4 stars; one submission).

Submission:

Labcorp Genetics (formerly Invitae), Labcorp
Classification: Uncertain significance. Last evaluated: 2025-02-07. Review status: criteria provided, single submitter. Criteria: Invitae Variant Classification Sherloc (09022015). Collection method: clinical testing. Allele origin: germline.
Comment: This sequence change replaces proline, which is neutral and non-polar, with serine, which is neutral and polar, at codon 47 of the LHFPL5 protein (p.Pro47Ser). This variant is present in population databases (rs779440139, gnomAD 0.006%). This missense change has been observed in individual(s) with deafness (internal data). In at least one individual the data is consistent with being in trans (on the opposite chromosome) from a pathogenic variant. An algorithm developed to predict the effect of missense changes on protein structure and function (PolyPhen-2) suggests that this variant is likely to be disruptive. In summary, the available evidence is currently insufficient to determine the role of this variant in disease. Therefore, it has been classified as a Variant of Uncertain Significance.

NM_182548.4(LHFPL5):c.139C>T (p.Pro47Ser)

Gene: LHFPL5 (LHFPL tetraspan subfamily member 5; plus strand). Cytogenetic location: 6p21.31.
Variant type: single nucleotide variant.
Coding change: c.139C>T on transcript NM_182548.4 (MANE Select); coding-DNA position 139, C replaced by T.
Protein change: p.Pro47Ser; replaces proline 47 with serine.
Molecular consequence: missense variant.
Genome position (GRCh38, 1-based): chr6:35,805,809, C>T. VCF-style: chr6-35805809-C-T. GRCh37 (hg19) VCF-style: chr6-35773586-C-T.
Other names: short protein forms P47S.
Identifiers: ClinVar variation 4768842 (VCV004768842.1).
Genomic context (GRCh38, chr6:35,805,809, plus strand): 5'-GTGATGTGGGGTACCCTCACCATCTGCTTCTCCGTACTGGTCATGGCCCTCTTCATCCAG[C>T]CCTACTGGATCGGCGACAGCGTCAACACACCGCAGGCAGGCTACTTCGGCCTTTTCTCCT-3'
Protein context (NP_872354.1, residues 37-57): SVLVMALFIQ[Pro47Ser]YWIGDSVNTP